The following is an entry in ClinVar:

NM_004247.4(EFTUD2):c.1278G>A (p.Glu426=)

Gene: EFTUD2 (elongation factor Tu GTP binding domain containing 2; minus strand). Cytogenetic location: 17q21.31.
Variant type: single nucleotide variant.
Coding change: c.1278G>A on transcript NM_004247.4 (MANE Select); coding-DNA position 1278, G replaced by A.
Protein change: p.Glu426=; no amino-acid change (glutamic acid 426 retained).
Molecular consequence: synonymous variant.
Genome position (GRCh38, 1-based): chr17:44,864,937, C>T on the plus strand (G>A on the coding strand, the complement: EFTUD2 is on the minus strand). VCF-style: chr17-44864937-C-T. GRCh37 (hg19) VCF-style: chr17-42942305-C-T.
Other names: c.1173G>A, p.Glu391= (NM_001142605.2); c.1278G>A, p.Glu426= (NM_001258353.2); c.1248G>A, p.Glu416= (NM_001258354.2).
Identifiers: ClinVar variation 3358824 (VCV003358824.1).

ClinVar aggregate classification (germline): Likely benign (0 of 4 stars; one submission).

Conditions:
EFTUD2-related disorder. Also called: EFTUD2-related condition.

gnomAD v4.1: 7 of 1,613,992 alleles (0.00043%); highest among the groups gnomAD compares: Non-Finnish European, 0.00051%; no homozygotes.

Submission:

PreventionGenetics, part of Exact Sciences
Classification: Likely benign for EFTUD2-related condition. Last evaluated: 2024-03-15. Review status: no assertion criteria provided. Collection method: clinical testing. Allele origin: germline.
Comment: This variant is classified as likely benign based on ACMG/AMP sequence variant interpretation guidelines (Richards et al. 2015 PMID: 25741868, with internal and published modifications).